The following is an entry in ClinVar:

NM_033004.4(NLRP1):c.1206A>T (p.Pro402=)

Gene: NLRP1 (NLR family pyrin domain containing 1; minus strand). Cytogenetic location: 17p13.2.
Variant type: single nucleotide variant.
Coding change: c.1206A>T on transcript NM_033004.4 (MANE Select); coding-DNA position 1206, A replaced by T.
Protein change: p.Pro402=; no amino-acid change (proline 402 retained).
Molecular consequence: synonymous variant.
Genome position (GRCh38, 1-based): chr17:5,559,490, T>A on the plus strand (A>T on the coding strand, the complement: NLRP1 is on the minus strand). VCF-style: chr17-5559490-T-A. GRCh37 (hg19) VCF-style: chr17-5462810-T-A.
Other names: c.1206A>T, p.Pro402= (NM_001033053.3, NM_014922.5, NM_033006.4 and 1 more transcripts).
Identifiers: ClinVar variation 1549204 (VCV001549204.10), dbSNP rs200250406, ClinGen allele CA8327404.

ClinVar aggregate classification (germline): Likely benign. Review status: criteria provided, multiple submitters, no conflicts (2 of 4 stars). 3 submissions from 3 submitters: Likely benign (3). Last evaluated 2026-07-01.

Allele frequency attached by ClinVar (database versions not stated): ESP Exome Variant Server 0.00008; ExAC 0.00011; gnomAD exomes 0.00013 and 0.00022; gnomAD 0.00016 and 0.00017; TOPMed 0.00019.
gnomAD v4.1: 346 of 1,614,112 alleles (0.021%); highest among the groups gnomAD compares: Non-Finnish European, 0.028%; no homozygotes.

Submissions (3):

CeGaT Center for Human Genetics Tuebingen
Classification: Likely benign. Last evaluated: 2026-07-01. Review status: criteria provided, single submitter. Criteria: CeGaT Center For Human Genetics Tuebingen Variant Classification Criteria Version 2. Collection method: clinical testing. Allele origin: germline. Affected: yes. Observed: 1 variant allele.
Comment: NLRP1: BP4, BP7

Labcorp Genetics (formerly Invitae), Labcorp
Classification: Likely benign. Last evaluated: 2026-01-19. Review status: criteria provided, single submitter. Criteria: Invitae Variant Classification Sherloc (09022015). Collection method: clinical testing. Allele origin: germline.

Blueprint Genetics
Classification: Likely benign. Last evaluated: 2024-08-19. Review status: criteria provided, single submitter. Criteria: ACMG Guidelines, 2015. Collection method: clinical testing. Allele origin: germline.